The following is an entry in ClinVar:

NM_001267550.2(TTN):c.94805_94806del (p.Pro31602fs)

Genes: TTN-AS1 (TTN antisense RNA 1; plus strand), TTN (titin; minus strand). Cytogenetic location: 2q31.2.
Variant type: Deletion.
Coding change: c.94805_94806del on transcript NM_001267550.2 (MANE Select); coding-DNA positions 94805 to 94806, 2 bases deleted (CT; older notation c.94805_94806delCT).
Protein change: p.Pro31602fs; shifts the reading frame from proline 31602.
Molecular consequence: frameshift variant.
Genome position (GRCh38, 1-based): chr2:178,546,622-178,546,623, AG deleted on the plus strand (CT on the coding strand, the reverse complement: TTN is on the minus strand). VCF-style (leftmost placement, unchanged base first): chr2-178546621-CAG-C. GRCh37 (hg19) VCF-style: chr2-179411348-CAG-C.
Other names: c.89882_89883del, p.Pro29961fs (NM_001256850.1); c.67610_67611del, p.Pro22537fs (NM_003319.4); c.87101_87102del, p.Pro29034fs (NM_133378.4); c.67985_67986del, p.Pro22662fs (NM_133432.3); c.68186_68187del, p.Pro22729fs (NM_133437.4); short protein forms P22537fs, P22662fs, P22729fs, P29034fs, P29961fs, P31602fs.
Identifiers: ClinVar variation 1809794 (VCV001809794.4), dbSNP rs2469060867, ClinGen allele CA2580614426.

ClinVar aggregate classification (germline): Likely pathogenic. Review status: criteria provided, multiple submitters, no conflicts (2 of 4 stars). 2 submissions from 2 submitters: Likely pathogenic (2). Last evaluated 2024-01-31.

Conditions:
Dilated cardiomyopathy 1G (CMD1G). Identifiers: Orphanet 154, MedGen C1858763, MONDO:0011400, OMIM 604145.
Autosomal recessive limb-girdle muscular dystrophy type 2J (LGMDR10). Also called: MUSCULAR DYSTROPHY, LIMB-GIRDLE, AUTOSOMAL RECESSIVE 10; Limb-girdle muscular dystrophy, type 2J. Identifiers: Orphanet 140922, MedGen C1837342, MONDO:0012127, OMIM 608807.
Primary dilated cardiomyopathy (DCM). Also called: Dilated Cardiomyopathy. Identifiers: Orphanet 217604, MedGen C0007193, MeSH D002311, MONDO:0005021, HP:0001644. Inheritance: Various modes of inheritance.

Allele frequency attached by ClinVar (database versions not stated): gnomAD exomes below 0.00001.

Submissions (2):

Labcorp Genetics (formerly Invitae), Labcorp
Classification: Likely pathogenic for Dilated cardiomyopathy 1G; Autosomal recessive limb-girdle muscular dystrophy type 2J. Last evaluated: 2024-01-31. Review status: criteria provided, single submitter. Criteria: Invitae Variant Classification Sherloc (09022015). Collection method: clinical testing. Allele origin: germline.
Comment: This sequence change creates a premature translational stop signal (p.Pro31602Argfs*6) in the TTN gene. While this is not anticipated to result in nonsense mediated decay, it is expected to create a truncated TTN protein. This variant is not present in population databases (gnomAD no frequency). This variant has not been reported in the literature in individuals affected with TTN-related conditions. ClinVar contains an entry for this variant (Variation ID: 1809794). This variant is located in the A band of TTN (PMID: 25589632). Truncating variants in this region are significantly overrepresented in patients affected with dilated cardiomyopathy (PMID: 25589632). Truncating variants in this region have also been reported in individuals affected with autosomal recessive centronuclear myopathy (PMID: 23975875). In summary, the currently available evidence indicates that the variant is pathogenic, but additional data are needed to prove that conclusively. Therefore, this variant has been classified as Likely Pathogenic.

Center for Human Genetics, University of Leuven
Classification: Likely pathogenic for Primary dilated cardiomyopathy. Last evaluated: 2022-12-31. Review status: criteria provided, single submitter. Criteria: ACMG Guidelines, 2015. Collection method: clinical testing. Allele origin: germline. Affected: yes.

Literature cited by the submitters: PubMed 25589632 (cited by Labcorp Genetics (formerly Invitae), Labcorp); PubMed 23975875 (cited by Labcorp Genetics (formerly Invitae), Labcorp).